The following is an entry in ClinVar:

ClinVar aggregate classification (germline): Likely benign. Review status: criteria provided, multiple submitters, no conflicts (2 of 4 stars). 4 submissions from 4 submitters: Likely benign (2). 2 of the submissions do not count toward it. Last evaluated 2025-05-01.

Conditions:
VPS13A-related disorder. Also called: VPS13A-related condition.
VPS13A-related neurodegenerative disease. Also called: LEVINE-CRITCHLEY SYNDROME; VPS13A Disease; ACANTHOCYTOSIS WITH NEUROLOGIC DISORDER; Choreoacanthocytosis; Chorea-acanthocytosis; Choreaacanthocytosis. Identifiers: Orphanet 2388, MedGen C0393576, MONDO:0008695, OMIM 200150.

Allele frequency attached by ClinVar (database versions not stated): gnomAD 0.00001 and 0.00002; TOPMed 0.00002; ExAC 0.00006.
gnomAD v4.1: 65 of 1,588,304 alleles (0.0041%); highest among the groups gnomAD compares: East Asian, 0.077%; no homozygotes.

Submissions (4):

Labcorp Genetics (formerly Invitae), Labcorp
Classification: Likely benign. Last evaluated: 2025-05-01. Review status: criteria provided, single submitter. Criteria: Invitae Variant Classification Sherloc (09022015). Collection method: clinical testing. Allele origin: germline.

Blueprint Genetics
Classification: Likely benign. Last evaluated: 2021-07-27. Review status: criteria provided, single submitter. Criteria: ACMG Guidelines, 2015. Collection method: clinical testing. Allele origin: germline.

Natera, Inc.
Classification: Uncertain significance for Choreaacanthocytosis. Last evaluated: 2020-02-13. Review status: no assertion criteria provided. Collection method: clinical testing. Allele origin: germline. Not counted in ClinVar's aggregate classification.

PreventionGenetics, part of Exact Sciences
Classification: Likely benign for VPS13A-related condition. Last evaluated: 2019-06-17. Review status: no assertion criteria provided. Collection method: clinical testing. Allele origin: germline. Not counted in ClinVar's aggregate classification.
Comment: This variant is classified as likely benign based on ACMG/AMP sequence variant interpretation guidelines (Richards et al. 2015 PMID: 25741868, with internal and published modifications).

NM_033305.3(VPS13A):c.4950A>G (p.Thr1650=)

Gene: VPS13A (vacuolar protein sorting 13 homolog A; plus strand). Cytogenetic location: 9q21.2.
Variant type: single nucleotide variant.
Coding change: c.4950A>G on transcript NM_033305.3 (MANE Select); coding-DNA position 4950, A replaced by G.
Protein change: p.Thr1650=; no amino-acid change (threonine 1650 retained).
Molecular consequence: synonymous variant.
Genome position (GRCh38, 1-based): chr9:77,317,692, A>G. VCF-style: chr9-77317692-A-G. GRCh37 (hg19) VCF-style: chr9-79932608-A-G.
Other names: c.4833A>G, p.Thr1611= (NM_001018037.2); c.4950A>G, p.Thr1650= (NM_001018038.3, NM_015186.4).
Identifiers: ClinVar variation 700762 (VCV000700762.15), dbSNP rs767739134, ClinGen allele CA5092644.